The following is an entry in ClinVar:

NM_003482.4(KMT2D):c.3649dup (p.Ser1217fs)

Genes: KMT2D (lysine methyltransferase 2D; minus strand), LOC126861520 (CDK7 strongly-dependent group 2 enhancer GRCh37_chr12:49442744-49443943; plus strand). Cytogenetic location: 12q13.12.
Variant type: Duplication.
Coding change: c.3649dup on transcript NM_003482.4 (MANE Select); coding-DNA position 3649, one base duplicated (A; older notation c.3649dupA).
Protein change: p.Ser1217fs; shifts the reading frame from serine 1217.
Molecular consequence: frameshift variant.
Genome position (GRCh38, 1-based): chr12:49,049,939, T duplicated on the plus strand (A on the coding strand, the reverse complement: KMT2D is on the minus strand). VCF-style (leftmost placement, unchanged base first): chr12-49049938-C-CT. GRCh37 (hg19) VCF-style: chr12-49443721-C-CT.
Other names: c.3649dupA (NM_003482.3); short protein forms S1217fs.
Identifiers: ClinVar variation 547414 (VCV000547414.3), dbSNP rs1555196084, ClinGen allele CA658823411.
Genomic context (GRCh38, chr12:49,049,938, plus strand): 5'-GAGCCACCCCCCTCCGGGTCTGGAGAGCCCAGGAGGGGCTCTGAGCCAGGAAAACTGGCA[C>CT]TGGCATCACCCTGGCTCAGATTAGAGATCTCGTTAACGATGTCGGATTTGATGAGAGTGG-3'

ClinVar aggregate classification (germline): Pathogenic/Likely pathogenic. Review status: criteria provided, multiple submitters, no conflicts (2 of 4 stars). 2 submissions from 2 submitters: Pathogenic (1); Likely pathogenic (1). Last evaluated 2024-11-11.

Conditions:
Kabuki syndrome. Also called: NIIKAWA-KUROKI SYNDROME; Kabuki make-up syndrome. Identifiers: Orphanet 2322, MedGen C0796004, MONDO:0016512.
Kabuki syndrome 1 (KABUK1). Also called: KMT2D-Related Kabuki Syndrome. Identifiers: Orphanet 2322, MedGen CN030661, MONDO:0007843, OMIM 147920.

Submissions (2):

Labcorp Genetics (formerly Invitae), Labcorp
Classification: Pathogenic for Kabuki syndrome. Last evaluated: 2024-11-11. Review status: criteria provided, single submitter. Criteria: Invitae Variant Classification Sherloc (09022015). Collection method: clinical testing. Allele origin: germline.
Comment: This sequence change creates a premature translational stop signal (p.Ser1217Lysfs*33) in the KMT2D gene. It is expected to result in an absent or disrupted protein product. Loss-of-function variants in KMT2D are known to be pathogenic (PMID: 22126750). This variant is not present in population databases (gnomAD no frequency). This variant has not been reported in the literature in individuals affected with KMT2D-related conditions. ClinVar contains an entry for this variant (Variation ID: 547414). For these reasons, this variant has been classified as Pathogenic.

Center for Human Genetics, Inc
Classification: Likely pathogenic for Kabuki syndrome 1. Last evaluated: 2016-11-01. Review status: criteria provided, single submitter. Criteria: ACMG Guidelines, 2015. Collection method: clinical testing. Allele origin: germline. Affected: yes.

Literature cited by the submitters: PubMed 22126750 (cited by Labcorp Genetics (formerly Invitae), Labcorp).